The following is an entry in ClinVar:

NM_000053.4(ATP7B):c.1982G>A (p.Gly661Asp)

Gene: ATP7B (ATPase copper transporting beta; minus strand). Cytogenetic location: 13q14.3.
Variant type: single nucleotide variant.
Coding change: c.1982G>A on transcript NM_000053.4 (MANE Select); coding-DNA position 1982, G replaced by A.
Protein change: p.Gly661Asp; replaces glycine 661 with aspartic acid.
Molecular consequence: missense variant. On other transcripts: intron variant (13).
Genome position (GRCh38, 1-based): chr13:51,960,287, C>T on the plus strand (G>A on the coding strand, the complement: ATP7B is on the minus strand). VCF-style: chr13-51960287-C-T. GRCh37 (hg19) VCF-style: chr13-52534423-C-T.
Other names: c.1649G>A, p.Gly550Asp (NM_001243182.2); c.1982G>A, p.Gly661Asp (NM_001330578.2, NM_001406511.1, NM_001406512.1 and 16 more transcripts); c.1949G>A, p.Gly650Asp (NM_001406514.1, NM_001406524.1); c.1886G>A, p.Gly629Asp (NM_001406517.1, NM_001406518.1, NM_001406530.1 and 1 more transcripts); c.1553G>A, p.Gly518Asp (NM_001406539.1); c.1870-2680G>A (NM_001406541.1, NM_001005918.3, NM_001406546.1 and 1 more transcripts); c.1870-1743G>A (NM_001406531.1, NM_001406532.1, NM_001406540.1 and 1 more transcripts); c.1774-1743G>A (NM_001406543.1); and 3 more; short protein forms G518D, G550D, G629D, G650D, G661D.
Identifiers: ClinVar variation 3070920 (VCV003070920.1), dbSNP rs2547725632, ClinGen allele CA388025871.

ClinVar aggregate classification (germline): Uncertain significance (1 of 4 stars; one submission).

Conditions:
Wilson disease (WND). Also called: Wilson's disease. Identifiers: Orphanet 905, MedGen C0019202, MONDO:0010200, OMIM 277900. Disease mechanism: loss of function.

Submission:

All of Us Research Program, National Institutes of Health
Classification: Uncertain significance for Wilson disease. Last evaluated: 2023-05-08. Review status: criteria provided, single submitter. Criteria: ACMG Guidelines, 2015. Collection method: clinical testing. Allele origin: germline. Inheritance: Autosomal recessive inheritance. Observed: 1 variant allele, 1 heterozygote.
Comment: This study involves interpretation of variants in research participants for the purpose of population health screening. Participant phenotype was not available at the time of variant classification. Additional details can be found in publication PMID: 35346344, PMCID: PMC8962531